The following is an entry in ClinVar:

NM_006073.4(TRDN):c.233-149C>A

Gene: TRDN (triadin; minus strand). Cytogenetic location: 6q22.31.
Variant type: single nucleotide variant.
Coding change: c.233-149C>A on transcript NM_006073.4 (MANE Select); 149 bases into the intron before coding-DNA position 233, C replaced by A.
Molecular consequence: intron variant.
Genome position (GRCh38, 1-based): chr6:123,548,761, G>T on the plus strand (C>A on the coding strand, the complement: TRDN is on the minus strand). VCF-style: chr6-123548761-G-T. GRCh37 (hg19) VCF-style: chr6-123869906-G-T.
Other names: c.233-149C>A (NM_001251987.2, NM_001256020.2, NM_001256021.2 and 1 more transcripts).
Identifiers: ClinVar variation 674791 (VCV000674791.1), dbSNP rs7749215, ClinGen allele CA147297336.

ClinVar aggregate classification (germline): Benign (1 of 4 stars; one submission).

Allele frequency attached by ClinVar (database versions not stated): 1000 Genomes Project 30x 0.52342; TOPMed 0.60818; 1000 Genomes Project 0.51398.
gnomAD v4.1: 390,207 of 676,346 alleles (58%); highest among the groups gnomAD compares: African/African-American, 82%; 118,736 homozygotes.

Submission:

GeneDx
Classification: Benign. Last evaluated: 2018-06-14. Review status: criteria provided, single submitter. Criteria: GeneDx Variant Classification (06012015). Collection method: clinical testing. Allele origin: germline. Affected: yes.
Comment: This variant is considered likely benign or benign based on one or more of the following criteria: it is a conservative change, it occurs at a poorly conserved position in the protein, it is predicted to be benign by multiple in silico algorithms, and/or has population frequency not consistent with disease.